The following is an entry in ClinVar:

NM_001080516.2(GRXCR2):c.449A>C (p.Glu150Ala)

Gene: GRXCR2 (glutaredoxin and cysteine rich domain containing 2; minus strand). Cytogenetic location: 5q32.
Variant type: single nucleotide variant.
Coding change: c.449A>C on transcript NM_001080516.2 (MANE Select); coding-DNA position 449, A replaced by C.
Protein change: p.Glu150Ala; replaces glutamic acid 150 with alanine.
Molecular consequence: missense variant.
Genome position (GRCh38, 1-based): chr5:145,866,616, T>G on the plus strand (A>C on the coding strand, the complement: GRXCR2 is on the minus strand). VCF-style: chr5-145866616-T-G. GRCh37 (hg19) VCF-style: chr5-145246179-T-G.
Other names: p.Glu150Ala; short protein forms E150A.
Identifiers: ClinVar variation 2682907 (VCV002682907.1), dbSNP rs761197305, ClinGen allele CA3488014.

ClinVar aggregate classification (germline): Uncertain significance (1 of 4 stars; one submission).

Allele frequency attached by ClinVar (database versions not stated): gnomAD 0.00001; TOPMed 0.00001; gnomAD exomes 0.00003; ExAC 0.00008.
gnomAD v4.1: 18 of 1,613,944 alleles (0.0011%); highest among the groups gnomAD compares: Non-Finnish European, 0.0014%; no homozygotes.

Submission:

Mayo Clinic Laboratories, Mayo Clinic
Classification: Uncertain significance. Last evaluated: 2022-08-18. Review status: criteria provided, single submitter. Criteria: ACMG Guidelines, 2015. Collection method: clinical testing. Allele origin: germline. Observed: 1 variant allele.
Comment: BP4, PM2